The following is an entry in ClinVar:

NM_000444.6(PHEX):c.187+2T>A

Gene: PHEX (phosphate regulating endopeptidase X-linked; plus strand). Cytogenetic location: Xp22.11.
Variant type: single nucleotide variant.
Coding change: c.187+2T>A on transcript NM_000444.6 (MANE Select); the canonical splice donor site of the intron after coding-DNA position 187, T replaced by A.
Molecular consequence: splice donor variant.
Genome position (GRCh38, 1-based): chrX:22,038,539, T>A. VCF-style: chrX-22038539-T-A. GRCh37 (hg19) VCF-style: chrX-22056657-T-A.
Other names: c.187+2T>A (NM_001282754.2).
Identifiers: ClinVar variation 938687 (VCV000938687.10), dbSNP rs1927131178, ClinGen allele CA412566078.

ClinVar aggregate classification (germline): Pathogenic (1 of 4 stars; one submission).

Submission:

Labcorp Genetics (formerly Invitae), Labcorp
Classification: Pathogenic. Last evaluated: 2024-07-23. Review status: criteria provided, single submitter. Criteria: Invitae Variant Classification Sherloc (09022015). Collection method: clinical testing. Allele origin: germline.
Comment: This sequence change affects a donor splice site in intron 2 of the PHEX gene. It is expected to disrupt RNA splicing. Variants that disrupt the donor or acceptor splice site typically lead to a loss of protein function (PMID: 16199547), and loss-of-function variants in PHEX are known to be pathogenic (PMID: 9097956, 9106524, 19219621). This variant is not present in population databases (gnomAD no frequency). Disruption of this splice site has been observed in individuals with hypophosphatemia (PMID: 34141703; Invitae). ClinVar contains an entry for this variant (Variation ID: 938687). Algorithms developed to predict the effect of sequence changes on RNA splicing suggest that this variant may disrupt the consensus splice site. For these reasons, this variant has been classified as Pathogenic.

Literature cited by the submitters: PubMed 16199547; PubMed 9097956; PubMed 9106524; PubMed 19219621; PubMed 34141703.